The following is an entry in ClinVar:

ClinVar aggregate classification (germline): Uncertain significance (1 of 4 stars; one submission).

Conditions:
Renal cell carcinoma. Identifiers: Orphanet 217071, MedGen C0007134, MeSH D002292, MONDO:0005086, HP:0005584.

Submission:

Labcorp Genetics (formerly Invitae), Labcorp
Classification: Uncertain significance for Renal cell carcinoma. Last evaluated: 2022-10-24. Review status: criteria provided, single submitter. Criteria: Invitae Variant Classification Sherloc (09022015). Collection method: clinical testing. Allele origin: germline.
Comment: A gross deletion of the genomic region encompassing the full coding sequence of the MET gene has been identified. The current clinical and genetic evidence is not sufficient to establish whether loss-of-function variants in MET cause disease. The boundaries of this event are unknown as they extend beyond the assayed region for this gene and therefore may encompass additional genes. This variant has not been reported in the literature in individuals affected with MET-related conditions. In summary, the available evidence is currently insufficient to determine the role of this variant in disease. Therefore, it has been classified as a Variant of Uncertain Significance.

NC_000007.13:g.(?_116339139)_(117307162_?)del

Genes: WNT2 (Wnt family member 2; minus strand), ST7-OT4 (ST7 overlapping transcript 4; plus strand), ASZ1 (ankyrin repeat, SAM and basic leucine zipper domain containing 1; minus strand), CAPZA2 (capping actin protein of muscle Z-line subunit alpha 2; plus strand), CFTR (CF transmembrane conductance regulator; plus strand) and 4 more. Cytogenetic location: 7q31.2.
Variant type: Deletion.
Identifiers: ClinVar variation 1040013 (VCV001040013.5).